The following is an entry in ClinVar:

ClinVar aggregate classification (germline): Uncertain significance. Review status: criteria provided, multiple submitters, no conflicts (2 of 4 stars). 2 submissions from 2 submitters: Uncertain significance (2). Last evaluated 2024-10-10.

Conditions:
Acrocallosal syndrome (ACLS). Also called: HALLUX DUPLICATION, POSTAXIAL POLYDACTYLY, AND ABSENCE OF CORPUS CALLOSUM; Schinzel syndrome 1; Absence of corpus callosum with unusual facial appearance, mental deficiency, duplication of the halluces and polydactyly. Identifiers: Orphanet 36, MedGen C0796147, MONDO:0008708, OMIM 200990.

Allele frequency attached by ClinVar (database versions not stated): gnomAD exomes below 0.00001; ExAC 0.00005.
gnomAD v4.1: 10 of 1,529,576 alleles (0.00065%); highest among the groups gnomAD compares: East Asian, 0.0024%; no homozygotes.

Submissions (2):

Blueprint Genetics
Classification: Uncertain significance. Last evaluated: 2024-10-10. Review status: criteria provided, single submitter. Criteria: ACMG Guidelines, 2015. Collection method: clinical testing. Allele origin: germline.

Labcorp Genetics (formerly Invitae), Labcorp
Classification: Uncertain significance for Acrocallosal syndrome. Last evaluated: 2024-04-25. Review status: criteria provided, single submitter. Criteria: Invitae Variant Classification Sherloc (09022015). Collection method: clinical testing. Allele origin: germline.
Comment: This sequence change replaces arginine, which is basic and polar, with glutamine, which is neutral and polar, at codon 1040 of the KIF7 protein (p.Arg1040Gln). The frequency data for this variant in the population databases is considered unreliable, as metrics indicate poor data quality at this position in the gnomAD database. This variant has not been reported in the literature in individuals affected with KIF7-related conditions. ClinVar contains an entry for this variant (Variation ID: 2083448). Advanced modeling of protein sequence and biophysical properties (such as structural, functional, and spatial information, amino acid conservation, physicochemical variation, residue mobility, and thermodynamic stability) has been performed at Invitae for this missense variant, however the output from this modeling did not meet the statistical confidence thresholds required to predict the impact of this variant on KIF7 protein function. In summary, the available evidence is currently insufficient to determine the role of this variant in disease. Therefore, it has been classified as a Variant of Uncertain Significance.

NM_198525.3(KIF7):c.3119G>A (p.Arg1040Gln)

Gene: KIF7 (kinesin family member 7; minus strand). Cytogenetic location: 15q26.1.
Variant type: single nucleotide variant.
Coding change: c.3119G>A on transcript NM_198525.3 (MANE Select); coding-DNA position 3119, G replaced by A.
Protein change: p.Arg1040Gln; replaces arginine 1040 with glutamine.
Molecular consequence: missense variant.
Genome position (GRCh38, 1-based): chr15:89,630,486, C>T on the plus strand (G>A on the coding strand, the complement: KIF7 is on the minus strand). VCF-style: chr15-89630486-C-T. GRCh37 (hg19) VCF-style: chr15-90173717-C-T.
Other names: short protein forms R1040Q.
Identifiers: ClinVar variation 2083448 (VCV002083448.5), dbSNP rs748595084, ClinGen allele CA7727812.